The following is an entry in ClinVar:

ClinVar aggregate classification (germline): Uncertain significance (1 of 4 stars; one submission).

Conditions:
Congenital insensitivity to pain-hypohidrosis syndrome. Also called: HSAN VIII; Neuropathy, hereditary sensory and autonomic, type VIII. Identifiers: Orphanet 478664, MedGen C4225308, MONDO:0014662, OMIM 616488.

Submission:

Labcorp Genetics (formerly Invitae), Labcorp
Classification: Uncertain significance for Congenital insensitivity to pain-hypohidrosis syndrome. Last evaluated: 2022-08-22. Review status: criteria provided, single submitter. Criteria: Invitae Variant Classification Sherloc (09022015). Collection method: clinical testing. Allele origin: germline.
Comment: This sequence change replaces histidine, which is basic and polar, with arginine, which is basic and polar, at codon 289 of the PRDM12 protein (p.His289Arg). This variant is not present in population databases (gnomAD no frequency). This variant has not been reported in the literature in individuals affected with PRDM12-related conditions. Algorithms developed to predict the effect of missense changes on protein structure and function are either unavailable or do not agree on the potential impact of this missense change (SIFT: "Deleterious"; PolyPhen-2: "Possibly Damaging"; Align-GVGD: "Class C0"). In summary, the available evidence is currently insufficient to determine the role of this variant in disease. Therefore, it has been classified as a Variant of Uncertain Significance.

NM_021619.3(PRDM12):c.866A>G (p.His289Arg)

Gene: PRDM12 (PR/SET domain 12; plus strand). Cytogenetic location: 9q34.12.
Variant type: single nucleotide variant.
Coding change: c.866A>G on transcript NM_021619.3 (MANE Select); coding-DNA position 866, A replaced by G.
Protein change: p.His289Arg; replaces histidine 289 with arginine.
Molecular consequence: missense variant.
Genome position (GRCh38, 1-based): chr9:130,681,431, A>G. VCF-style: chr9-130681431-A-G. GRCh37 (hg19) VCF-style: chr9-133556818-A-G.
Other names: short protein forms H289R.
Identifiers: ClinVar variation 1717669 (VCV001717669.5), dbSNP rs879255638, ClinGen allele CA375244859.